The following is an entry in ClinVar:

ClinVar aggregate classification (germline): Uncertain significance (1 of 4 stars; one submission).

Conditions:
Cornelia de Lange syndrome 1 (CDLS1). Also called: Brachmann de Lange syndrome; TYPUS DEGENERATIVUS AMSTELODAMENSIS; NIPBL-Related Cornelia de Lange Syndrome. Identifiers: Orphanet 199, MedGen C4551851, MONDO:0007387, OMIM 122470.

Submission:

Labcorp Genetics (formerly Invitae), Labcorp
Classification: Uncertain significance for Cornelia de Lange syndrome 1. Last evaluated: 2020-03-20. Review status: criteria provided, single submitter. Criteria: Invitae Variant Classification Sherloc (09022015). Collection method: clinical testing. Allele origin: germline.
Comment: In summary, the available evidence is currently insufficient to determine the role of this variant in disease. Therefore, it has been classified as a Variant of Uncertain Significance. Algorithms developed to predict the effect of missense changes on protein structure and function are either unavailable or do not agree on the potential impact of this missense change (SIFT: "Deleterious"; PolyPhen-2: "Probably Damaging"; Align-GVGD: "Class C0"). This variant has not been reported in the literature in individuals with NIPBL-related conditions. This variant is not present in population databases (ExAC no frequency). This sequence change replaces valine with glycine at codon 2304 of the NIPBL protein (p.Val2304Gly). The valine residue is moderately conserved and there is a moderate physicochemical difference between valine and glycine.

NM_133433.4(NIPBL):c.6911T>G (p.Val2304Gly)

Gene: NIPBL (NIPBL cohesin loading factor; plus strand). Cytogenetic location: 5p13.2.
Variant type: single nucleotide variant.
Coding change: c.6911T>G on transcript NM_133433.4 (MANE Select); coding-DNA position 6911, T replaced by G.
Protein change: p.Val2304Gly; replaces valine 2304 with glycine.
Molecular consequence: missense variant.
Genome position (GRCh38, 1-based): chr5:37,049,258, T>G. VCF-style: chr5-37049258-T-G. GRCh37 (hg19) VCF-style: chr5-37049360-T-G.
Other names: c.6911T>G, p.Val2304Gly (NM_015384.5); short protein forms V2304G.
Identifiers: ClinVar variation 1060175 (VCV001060175.9), dbSNP rs2149737924, ClinGen allele CA359509025.